The following is an entry in ClinVar:

ClinVar aggregate classification (germline): Uncertain significance (1 of 4 stars; one submission).

gnomAD v4.1: 17 of 1,613,910 alleles (0.0011%); highest among the groups gnomAD compares: Non-Finnish European, 0.0014%; no homozygotes.

Submission:

Genetic Services Laboratory, University of Chicago
Classification: Uncertain significance. Last evaluated: 2023-04-04. Review status: criteria provided, single submitter. Criteria: ACMG Guidelines, 2015. Collection method: clinical testing. Allele origin: germline. Affected: no.
Comment: DNA sequence analysis of the COL4A3 gene demonstrated a sequence change, c.1441T>C, in exon 23 that results in an amino acid change, p.Tyr481His. This sequence change has been described in the gnomAD database with a frequency of 0.0038855% in the non-Finnish European subpopulation (dbSNP rs758774822). The p.Tyr481His change affects a poorly conserved amino acid residue located in a domain of the COL4A3 protein that is not known to be functional. In-silico pathogenicity prediction tools (SIFT, PolyPhen2, Align GVGD, REVEL) provide contradictory results for the p.Tyr481His substitution. This sequence change does not appear to have been previously described in individuals with COL4A3-related disorders. Due to insufficient evidences and the lack of functional studies, the clinical significance of the p.Tyr481His change remains unknown at this time.

NM_000091.5(COL4A3):c.1441T>C (p.Tyr481His)

Genes: COL4A3 (collagen type IV alpha 3 chain; plus strand), MFF-DT (MFF divergent transcript; minus strand). Cytogenetic location: 2q36.3.
Variant type: single nucleotide variant.
Coding change: c.1441T>C on transcript NM_000091.5 (MANE Select); coding-DNA position 1441, T replaced by C.
Protein change: p.Tyr481His; replaces tyrosine 481 with histidine.
Molecular consequence: missense variant.
Genome position (GRCh38, 1-based): chr2:227,267,025, T>C. VCF-style: chr2-227267025-T-C. GRCh37 (hg19) VCF-style: chr2-228131741-T-C.
Other names: short protein forms Y481H.
Identifiers: ClinVar variation 4082409 (VCV004082409.2).